The following is an entry in ClinVar:

ClinVar aggregate classification (germline): Benign/Likely benign. Review status: criteria provided, multiple submitters, no conflicts (2 of 4 stars). 3 submissions from 3 submitters: Benign (2); Likely benign (1). Last evaluated 2026-01-18.

Conditions:
Familial thoracic aortic aneurysm and aortic dissection (TAAD). Also called: Thoracic aortic aneurysms and dissections. Identifiers: Orphanet 91387, MedGen C4707243, MONDO:0019625.
Congenital contractural arachnodactyly (CCA). Also called: BEALS SYNDROME; Arthrogryposis, distal, type 9; Beals-Hecht syndrome. Identifiers: Orphanet 115, MedGen C0220668, MONDO:0007363, OMIM 121050.

Allele frequency attached by ClinVar (database versions not stated): gnomAD 0.00038 and 0.00041; TOPMed 0.00045; ESP Exome Variant Server 0.00054.
gnomAD v4.1: 97 of 1,614,018 alleles (0.006%); highest among the groups gnomAD compares: African/African-American, 0.12%; 1 homozygote.

Submissions (3):

Labcorp Genetics (formerly Invitae), Labcorp
Classification: Benign for Congenital contractural arachnodactyly. Last evaluated: 2026-01-18. Review status: criteria provided, single submitter. Criteria: Invitae Variant Classification Sherloc (09022015). Collection method: clinical testing. Allele origin: germline.

Ambry Genetics
Classification: Likely benign for Familial thoracic aortic aneurysm and aortic dissection. Last evaluated: 2022-05-20. Review status: criteria provided, single submitter. Criteria: Ambry Variant Classification Scheme 2023. Collection method: clinical testing. Allele origin: germline.

GeneDx
Classification: Benign. Last evaluated: 2015-08-10. Review status: criteria provided, single submitter. Criteria: GeneDx Variant Classification (06012015). Collection method: clinical testing. Allele origin: germline. Affected: yes.
Comment: This variant is considered likely benign or benign based on one or more of the following criteria: it is a conservative change, it occurs at a poorly conserved position in the protein, it is predicted to be benign by multiple in silico algorithms, and/or has population frequency not consistent with disease.

NM_001999.4(FBN2):c.8043C>A (p.Pro2681=)

Gene: FBN2 (fibrillin 2; minus strand). Cytogenetic location: 5q23.3.
Variant type: single nucleotide variant.
Coding change: c.8043C>A on transcript NM_001999.4 (MANE Select); coding-DNA position 8043, C replaced by A.
Protein change: p.Pro2681=; no amino-acid change (proline 2681 retained).
Molecular consequence: synonymous variant.
Genome position (GRCh38, 1-based): chr5:128,263,574, G>T on the plus strand (C>A on the coding strand, the complement: FBN2 is on the minus strand). VCF-style: chr5-128263574-G-T. GRCh37 (hg19) VCF-style: chr5-127599266-G-T.
Identifiers: ClinVar variation 377873 (VCV000377873.14), dbSNP rs149502195, ClinGen allele CA3393949.